The following is an entry in ClinVar:

NM_006796.3(AFG3L2):c.2098G>A (p.Glu700Lys)

Gene: AFG3L2 (AFG3 like matrix AAA peptidase subunit 2; minus strand). Cytogenetic location: 18p11.21.
Variant type: single nucleotide variant.
Coding change: c.2098G>A on transcript NM_006796.3 (MANE Select); coding-DNA position 2098, G replaced by A.
Protein change: p.Glu700Lys; replaces glutamic acid 700 with lysine.
Molecular consequence: missense variant.
Genome position (GRCh38, 1-based): chr18:12,337,418, C>T on the plus strand (G>A on the coding strand, the complement: AFG3L2 is on the minus strand). VCF-style: chr18-12337418-C-T. GRCh37 (hg19) VCF-style: chr18-12337417-C-T.
Other names: short protein forms E700K.
Identifiers: ClinVar variation 38393 (VCV000038393.12), dbSNP rs151344522, ClinGen allele CA343036.
Genomic context (GRCh38, chr18:12,337,418, plus strand): 5'-TCTTTTCTGTGAGAAGAGCTACTGTTCTTTTATAAGCATCATTAATAAGTATTCGTACTT[C>T]ATCATCTATCAATCTTGCAGTGGCTTCACTGTAAGGTTTCTCCAATACCATGTCCCCCTG-3'
Protein context (NP_006787.2, residues 690-710): SEATARLIDD[Glu700Lys]VRILINDAYK

ClinVar aggregate classification (germline): Pathogenic. Review status: criteria provided, single submitter (1 of 4 stars). 2 submissions from 2 submitters: Pathogenic (1). 1 of the submissions does not count toward it. Last evaluated 2019-06-12.

Conditions:
Spinocerebellar ataxia type 28 (SCA28). Also called: Spinocerebellar Ataxia Type 28 (SCA28). Identifiers: Orphanet 101109, MedGen C1853249, MONDO:0012450, OMIM 610246.

Submissions (2):

Labcorp Genetics (formerly Invitae), Labcorp
Classification: Pathogenic. Last evaluated: 2019-06-12. Review status: criteria provided, single submitter. Criteria: Invitae Variant Classification Sherloc (09022015). Collection method: clinical testing. Allele origin: germline.
Comment: For these reasons, this variant has been classified as Pathogenic. Algorithms developed to predict the effect of missense changes on protein structure and function are either unavailable or do not agree on the potential impact of this missense change (SIFT: "Deleterious"; PolyPhen-2: "Probably Damaging"; Align-GVGD: "Class C0"). This variant has been observed to segregate with spinocerebellar ataxia in a family (PMID: 20354562). ClinVar contains an entry for this variant (Variation ID: 38393). This variant is not present in population databases (ExAC no frequency). This sequence change replaces glutamic acid with lysine at codon 700 of the AFG3L2 protein (p.Glu700Lys). The glutamic acid residue is highly conserved and there is a small physicochemical difference between glutamic acid and lysine.

GeneReviews
No classification provided. Condition: Spinocerebellar ataxia type 28. Review status: no classification provided. Collection method: literature only. Allele origin: germline. Not counted in ClinVar's aggregate classification.

Literature cited by the submitters: PubMed 20354562 (cited by Labcorp Genetics (formerly Invitae), Labcorp); NCBI Bookshelf NBK54582 (cited by GeneReviews).